The following is an entry in ClinVar:

ClinVar aggregate classification (germline): Uncertain significance (1 of 4 stars; one submission).

Submission:

CeGaT Center for Human Genetics Tuebingen
Classification: Uncertain significance. Last evaluated: 2024-11-01. Review status: criteria provided, single submitter. Criteria: CeGaT Center For Human Genetics Tuebingen Variant Classification Criteria Version 2. Collection method: clinical testing. Allele origin: germline. Affected: yes. Observed: 1 variant allele.
Comment: BCL11B: PM2

NM_138576.4(BCL11B):c.320G>C (p.Arg107Thr)

Gene: BCL11B (BCL11 transcription factor B; minus strand). Cytogenetic location: 14q32.2.
Variant type: single nucleotide variant.
Coding change: c.320G>C on transcript NM_138576.4 (MANE Select); coding-DNA position 320, G replaced by C.
Protein change: p.Arg107Thr; replaces arginine 107 with threonine.
Molecular consequence: missense variant.
Genome position (GRCh38, 1-based): chr14:99,257,578, C>G on the plus strand (G>C on the coding strand, the complement: BCL11B is on the minus strand). VCF-style: chr14-99257578-C-G. GRCh37 (hg19) VCF-style: chr14-99723915-C-G.
Other names: c.317G>C, p.Arg106Thr (NM_001282237.2, NM_001282238.2); c.320G>C, p.Arg107Thr (NM_022898.3); short protein forms R106T, R107T.
Identifiers: ClinVar variation 3390070 (VCV003390070.14).
Genomic context (GRCh38, chr14:99,257,578, plus strand): 5'-AGGTGGTCATCTTCGTCGGGGGTGACTTGGATCCCGATCTCCACCGGCTCGGACACTTTC[C>G]TGAGCTCGGAGCGTGAGGAGGGTGGCGGGCTGTCCTTGTCCAGGGCCTTGTCATAGCAGG-3'
Protein context (NP_612808.1, residues 97-117): SPPPSSRSEL[Arg107Thr]KVSEPVEIGI